The following is an entry in ClinVar:

ClinVar aggregate classification (germline): Pathogenic (1 of 4 stars; one submission).

Conditions:
Hereditary cancer-predisposing syndrome. Also called: Neoplastic Syndromes, Hereditary; Tumor predisposition; Hereditary neoplastic syndrome; Hereditary Cancer Syndrome. Identifiers: Orphanet 140162, MedGen C0027672, MeSH D009386, MONDO:0015356.

Submission:

Ambry Genetics
Classification: Pathogenic for Hereditary cancer-predisposing syndrome. Last evaluated: 2023-12-08. Review status: criteria provided, single submitter. Criteria: Ambry Variant Classification Scheme 2023. Collection method: clinical testing. Allele origin: germline.
Comment: The c.2139_2140delAA pathogenic mutation, located in coding exon 13 of the ATM gene, results from a deletion of two nucleotides at nucleotide positions 2139 to 2140, causing a translational frameshift with a predicted alternate stop codon (p.E713Dfs*24). This variant is considered to be rare based on population cohorts in the Genome Aggregation Database (gnomAD). This alteration is expected to result in loss of function by premature protein truncation or nonsense-mediated mRNA decay. As such, this alteration is interpreted as a disease-causing mutation.

NM_000051.4(ATM):c.2139_2140del (p.Glu713fs)

Gene: ATM (ATM serine/threonine kinase; plus strand). Cytogenetic location: 11q22.3.
Variant type: Deletion.
Coding change: c.2139_2140del on transcript NM_000051.4 (MANE Select); coding-DNA positions 2139 to 2140, 2 bases deleted (AA; older notation c.2139_2140delAA).
Protein change: p.Glu713fs; shifts the reading frame from glutamic acid 713.
Molecular consequence: frameshift variant.
Genome position (GRCh38, 1-based): chr11:108,256,229-108,256,230, AA deleted; deleting any 2 consecutive bases within chr11:108,256,228-108,256,230 gives the same sequence; the c. name uses the placement nearest the transcript's 3' end. VCF-style (leftmost placement, unchanged base first): chr11-108256227-GAA-G. GRCh37 (hg19) VCF-style: chr11-108126954-GAA-G.
Other names: c.2139_2140del, p.Glu713fs (NM_001351834.2); short protein forms E713fs.
Identifiers: ClinVar variation 3232309 (VCV003232309.1), dbSNP rs2080473458, ClinGen allele CA2825001789.
Genomic context (GRCh38, chr11:108,256,227, plus strand): 5'-TAAATTATTTATGAAATATATATATTTTTATTTGTGGTTTACTTTAAGATTACAAATTCA[GAA>G]ACTCTTGTCCGGTGTTCACGTCTTTTGGTGGGTGTCCTTGGCTGCTACTGTTACATGGGT-3'